The following is an entry in ClinVar:

NM_012144.4(DNAI1):c.1222G>A (p.Val408Met)

Gene: DNAI1 (dynein axonemal intermediate chain 1; plus strand). Cytogenetic location: 9p13.3.
Variant type: single nucleotide variant.
Coding change: c.1222G>A on transcript NM_012144.4 (MANE Select); coding-DNA position 1222, G replaced by A.
Protein change: p.Val408Met; replaces valine 408 with methionine.
Molecular consequence: missense variant.
Genome position (GRCh38, 1-based): chr9:34,506,785, G>A. VCF-style: chr9-34506785-G-A. GRCh37 (hg19) VCF-style: chr9-34506783-G-A.
Other names: c.1222G>A (NM_012144.2); c.1234G>A, p.Val412Met (NM_001281428.2); short protein forms V408M, V412M.
Identifiers: ClinVar variation 194245 (VCV000194245.28), dbSNP rs794727103, ClinGen allele CA240119.

ClinVar aggregate classification (germline): Conflicting classifications of pathogenicity. Review status: criteria provided, conflicting classifications (1 of 4 stars). 7 submissions from 7 submitters: Pathogenic (3); Likely pathogenic (2); Uncertain significance (2). Last evaluated 2026-06-01.

Conditions:
Primary ciliary dyskinesia. Also called: Ciliary dyskinesia. Identifiers: Orphanet 244, MedGen C0008780, MONDO:0016575, HP:0012265.
Kartagener syndrome (CILD1). Also called: IMMOTILE CILIA SYNDROME; SIEWERT SYNDROME; Dextrocardia bronchiectasis and sinusitis; CILIARY DYSKINESIA, PRIMARY, 1; CILIARY DYSKINESIA, PRIMARY, 1, WITH OR WITHOUT SITUS INVERSUS; POLYNESIAN BRONCHIECTASIS. Identifiers: Orphanet 244, MedGen C4551906, MONDO:0009484, OMIM 244400.

Allele frequency attached by ClinVar (database versions not stated): gnomAD exomes 0.00001; gnomAD 0.00003; TOPMed 0.00003.
gnomAD v4.1: 70 of 1,614,150 alleles (0.0043%); highest among the groups gnomAD compares: African/African-American, 0.0053%; no homozygotes.

Submissions (7):

Ambry Genetics
Classification: Pathogenic for Primary ciliary dyskinesia. Last evaluated: 2026-06-01. Review status: criteria provided, single submitter. Criteria: Ambry Variant Classification Scheme 2023. Collection method: clinical testing. Allele origin: germline.
Comment: The p.V408M pathogenic mutation (also known as c.1222G>A), located in coding exon 13 of the DNAI1 gene, results from a G to A substitution at nucleotide position 1222. The valine at codon 408 is replaced by methionine, an amino acid with highly similar properties. This variant has been identified in the homozygous state and/or in conjunction with other DNAI1 variant(s) in individual(s) with features consistent with primary ciliary dyskinesia (Zariwala MA et al. Am J Respir Crit Care Med. 2006;174(8):858-866). This amino acid position is highly conserved in available vertebrate species. In addition, this alteration is predicted to be deleterious by in silico analysis. This variant is considered to be rare based on population cohorts in the Genome Aggregation Database (gnomAD). Based on the supporting evidence, this variant is interpreted as a disease-causing mutation.

Labcorp Genetics (formerly Invitae), Labcorp
Classification: Pathogenic for Primary ciliary dyskinesia. Last evaluated: 2026-01-28. Review status: criteria provided, single submitter. Criteria: Invitae Variant Classification Sherloc (09022015). Collection method: clinical testing. Allele origin: germline.
Comment: This sequence change replaces valine, which is neutral and non-polar, with methionine, which is neutral and non-polar, at codon 408 of the DNAI1 protein (p.Val408Met). This variant is present in population databases (rs794727103, gnomAD 0.004%). This missense change has been observed in individual(s) with clinical features of primary ciliary dyskinesia (PMID: 16858015; internal data). In at least one individual the data is consistent with being in trans (on the opposite chromosome) from a pathogenic variant. ClinVar contains an entry for this variant (Variation ID: 194245). Invitae Evidence Modeling of protein sequence and biophysical properties (such as structural, functional, and spatial information, amino acid conservation, physicochemical variation, residue mobility, and thermodynamic stability) indicates that this missense variant is expected to disrupt DNAI1 protein function with a positive predictive value of 80%. For these reasons, this variant has been classified as Pathogenic.

Natera, Inc.
Classification: Likely pathogenic for Primary ciliary dyskinesia. Last evaluated: 2025-11-24. Review status: criteria provided, single submitter. Criteria: Natera Variant Classification Schema (03/2026). Collection method: clinical testing. Allele origin: germline.
Comment: The c.1222G>A variant in DNAI1 is a missense variant predicted to cause substitution of valine to methionine at amino acid 408. This variant is rare in the general population with a frequency below the threshold expected for the associated phenotype(s). This variant has been observed in one or more individuals affected with the associated recessive disease, as either homozygous or compound heterozygous with a second variant (PMID: 16858015). Additionally, this variant has been observed to segregate in affected family members (PMID: 28952366). This variant has been identified in one or more affected individuals with a phenotype highly consistent with the associated gene (PMID:16858015). Computational prediction algorithms indicate this variant is likely to affect gene or protein function. Given the available evidence, this variant is classified as Likely Pathogenic.

Dasa
Classification: Uncertain significance. Last evaluated: 2024-12-05. Review status: criteria provided, single submitter. Criteria: DASA Assertion Criteria. Collection method: clinical testing. Allele origin: germline.
Comment: NM_012144.4(DNAI1):c.1222G>A (p.Val408Met) is a missense variant that results in the substitution of valine with methionine. This variant has been reported in individuals with DNAI1-related disorders (PMID: 16858015). Also, this variant is rare in population databases. Computational prediction algorithms are consistent with a deleterious effect. The currently available literature and clinical evidence are not sufficient to establish a definitive association between this variant and the reported condition. Therefore, this variant is classified as a variant of uncertain significance.

Fulgent Genetics
Classification: Likely pathogenic for Kartagener syndrome. Last evaluated: 2024-01-02. Review status: criteria provided, single submitter. Criteria: ACMG Guidelines, 2015. Collection method: clinical testing. Allele origin: germline.

Victorian Clinical Genetics Services, Murdoch Childrens Research Institute
Classification: Pathogenic for Kartagener syndrome. Last evaluated: 2022-02-02. Review status: criteria provided, single submitter. Criteria: ACMG Guidelines, 2015. Collection method: clinical testing. Allele origin: germline. Inheritance: Autosomal recessive inheritance. Affected: yes.
Comment: Based on the classification scheme VCGS_Germline_v1.3.4, this variant is classified as Pathogenic. Following criteria are met: 0102 - Loss of function is a known mechanism of disease in this gene and is associated with primary ciliary dyskinesia, with or without situs inversus (MIM#244400). (I) 0106 - This gene is associated with autosomal recessive disease. (I) 0200 - Variant is predicted to result in a missense amino acid change from valine to methionine. (I) 0251 - This variant is heterozygous. (I) 0304 - Variant is present in gnomAD <0.01 for a recessive condition (v3: 5 heterozygotes, 0 homozygotes). (SP) 0502 - Missense variant with conflicting in silico predictions and uninformative conservation. (I) 0600 - Variant is located in the annotated WD40 repeat (NCBI domain). (I) 0705 - No comparable missense variants have previous evidence for pathogenicity. (I) 0802 - This variant has moderate previous evidence of pathogenicity in unrelated individuals. This variant has been reported as homozygous and compound heterozygous in individuals with primary ciliary dyskinesia (ClinVar, PMID: 28952366, PMID: 16858015). (SP) 1007 - No published functional evidence has been identified for this variant. (I) Legend: (SP) - Supporting pathogenic, (I) - Information, (SB) - Supporting benign

Eurofins Ntd Llc (ga)
Classification: Uncertain significance. Last evaluated: 2014-09-26. Review status: criteria provided, single submitter. Criteria: EGL Classification Definitions 2015. Collection method: clinical testing. Allele origin: germline. Observed: 1 variant allele, 1 heterozygote.

Literature cited by the submitters: PubMed 16858015 (cited by 5 submitters); PubMed 28952366 (cited by Natera, Inc. and Victorian Clinical Genetics Services, Murdoch Childrens Research Institute).